The following is an entry in ClinVar:

NM_133642.5(LARGE1):c.576C>T (p.Pro192=)

Gene: LARGE1 (LARGE xylosyl- and glucuronyltransferase 1; minus strand). Cytogenetic location: 22q12.3.
Variant type: single nucleotide variant.
Coding change: c.576C>T on transcript NM_133642.5 (MANE Select); coding-DNA position 576, C replaced by T.
Protein change: p.Pro192=; no amino-acid change (proline 192 retained).
Molecular consequence: synonymous variant.
Genome position (GRCh38, 1-based): chr22:33,604,474, G>A on the plus strand (C>T on the coding strand, the complement: LARGE1 is on the minus strand). VCF-style: chr22-33604474-G-A. GRCh37 (hg19) VCF-style: chr22-34000460-G-A.
Other names: p.P192P:CCC>CCT; p.Pro192=; c.576C>T, p.Pro192= (NM_001362949.2, NM_001362951.2, NM_001362953.2 and 7 more transcripts); c.576C>T (NM_004737.6).
Identifiers: ClinVar variation 95176 (VCV000095176.28), dbSNP rs36002910, ClinGen allele CA285640.

ClinVar aggregate classification (germline): Benign. Review status: criteria provided, multiple submitters, no conflicts (2 of 4 stars). 11 submissions from 10 submitters: Benign (8). 3 of the submissions do not count toward it. Last evaluated 2026-02-04.

Conditions:
Muscular dystrophy-dystroglycanopathy (congenital with brain and eye anomalies), type A6. Also called: WALKER-WARBURG SYNDROME OR MUSCLE-EYE-BRAIN DISEASE, LARGE-RELATED; MUSCULAR DYSTROPHY-DYSTROGLYCANOPATHY (CONGENITAL WITH BRAIN AND EYE ANOMALIES), TYPE A, 6. Identifiers: Orphanet 588, Orphanet 899, MedGen C3150414, MONDO:0013158, OMIM 613154.
Muscular dystrophy-dystroglycanopathy type B6 (MDDGB6). Also called: MUSCULAR DYSTROPHY-DYSTROGLYCANOPATHY (CONGENITAL WITH IMPAIRED INTELLECTUAL DEVELOPMENT), TYPE B, 6; MUSCULAR DYSTROPHY, CONGENITAL, LARGE-RELATED; MUSCULAR DYSTROPHY, CONGENITAL, TYPE 1D. Identifiers: MedGen C1837229, MONDO:0012138, OMIM 608840.

Allele frequency attached by ClinVar (database versions not stated): 1000 Genomes Project 30x 0.01390; 1000 Genomes Project 0.01438; TOPMed 0.02118; ESP Exome Variant Server 0.02130; ExAC 0.02294; gnomAD 0.02325 and 0.02334; gnomAD exomes 0.02350.
gnomAD v4.1: 47,630 of 1,614,018 alleles (3%); highest among the groups gnomAD compares: Middle Eastern, 3.6%; 845 homozygotes.

Submissions (11):

Labcorp Genetics (formerly Invitae), Labcorp
Classification: Benign for Muscular dystrophy-dystroglycanopathy type B6. Last evaluated: 2026-02-04. Review status: criteria provided, single submitter. Criteria: Invitae Variant Classification Sherloc (09022015). Collection method: clinical testing. Allele origin: germline.

Mayo Clinic Laboratories, Mayo Clinic
Classification: Benign. Last evaluated: 2018-12-13. Review status: criteria provided, single submitter. Criteria: ACMG Guidelines, 2015. Collection method: clinical testing. Allele origin: germline. Observed: 83 variant alleles.

Illumina Laboratory Services, Illumina
Classification: Benign for Muscular dystrophy-dystroglycanopathy (congenital with brain and eye anomalies), type A6. Last evaluated: 2018-01-13. Review status: criteria provided, single submitter. Criteria: ICSL Variant Classification Criteria 13 December 2019. Collection method: clinical testing. Allele origin: germline.
Comment: This variant was observed in the ICSL laboratory as part of a predisposition screen in an ostensibly healthy population. It had not been previously curated by ICSL or reported in the Human Gene Mutation Database (HGMD: prior to June 1st, 2018), and was therefore a candidate for classification through an automated scoring system. Utilizing variant allele frequency, disease prevalence and penetrance estimates, and inheritance mode, an automated score was calculated to assess if this variant is too frequent to cause the disease. Based on the score and internal cut-off values, a variant classified as benign is not then subjected to further curation. The score for this variant resulted in a classification of benign for this disease.

Illumina Laboratory Services, Illumina
Classification: Benign for Muscular dystrophy-dystroglycanopathy type B6. Last evaluated: 2018-01-13. Review status: criteria provided, single submitter. Criteria: ICSL Variant Classification Criteria 13 December 2019. Collection method: clinical testing. Allele origin: germline.
Comment: the same text as in the submission from Illumina Laboratory Services, Illumina above.

GeneDx
Classification: Benign. Last evaluated: 2013-11-06. Review status: criteria provided, single submitter. Criteria: GeneDx Variant Classification (06012015). Collection method: clinical testing. Allele origin: germline. Affected: yes.
Comment: This variant is considered likely benign or benign based on one or more of the following criteria: it is a conservative change, it occurs at a poorly conserved position in the protein, it is predicted to be benign by multiple in silico algorithms, and/or has population frequency not consistent with disease.

Eurofins Ntd Llc (ga)
Classification: Benign. Last evaluated: 2012-11-15. Review status: criteria provided, single submitter. Criteria: EGL Classification Definitions 2015. Collection method: clinical testing. Allele origin: germline. Observed: 3 variant alleles, 3 heterozygotes.

Breakthrough Genomics
Classification: Benign. Review status: criteria provided, single submitter. Criteria: ACMG Guidelines, 2015. Collection method: not provided. Allele origin: germline. Inheritance: Autosomal recessive inheritance. Affected: yes.

PreventionGenetics, part of Exact Sciences
Classification: Benign. Review status: criteria provided, single submitter. Criteria: ACMG Guidelines, 2015. Collection method: clinical testing. Allele origin: germline.

Clinical Genetics DNA and cytogenetics Diagnostics Lab, Erasmus MC, Erasmus Medical Center
Classification: Benign. Review status: no assertion criteria provided. Collection method: clinical testing. Allele origin: germline. Affected: yes. Study: VKGL Data-share Consensus. Not counted in ClinVar's aggregate classification.

Genetic Services Laboratory, University of Chicago
Classification: Likely benign. Review status: no assertion criteria provided. Collection method: clinical testing. Allele origin: germline. Inheritance: Autosomal recessive inheritance. Not counted in ClinVar's aggregate classification.
Comment: Likely benign based on allele frequency in 1000 Genomes Project or ESP global frequency and its presence in a patient with a rare or unrelated disease phenotype. NOT Sanger confirmed

Joint Genome Diagnostic Labs from Nijmegen and Maastricht, Radboudumc and MUMC+
Classification: Benign. Review status: no assertion criteria provided. Collection method: clinical testing. Allele origin: germline. Affected: yes. Study: VKGL Data-share Consensus. Not counted in ClinVar's aggregate classification.